The following is an entry in ClinVar:

NM_024675.4(PALB2):c.2801_2803dup (p.Val934dup)

Gene: PALB2 (partner and localizer of BRCA2; minus strand). Cytogenetic location: 16p12.2.
Variant type: Duplication.
Coding change: c.2801_2803dup on transcript NM_024675.4 (MANE Select); coding-DNA positions 2801 to 2803, 3 bases duplicated (TAG; older notation c.2801_2803dupTAG).
Protein change: p.Val934dup; duplicates valine 934.
Molecular consequence: inframe insertion.
Genome position (GRCh38, 1-based): chr16:23,624,040-23,624,042, CTA duplicated on the plus strand (TAG on the coding strand, the reverse complement: PALB2 is on the minus strand); duplicating any 3 consecutive bases within chr16:23,624,040-23,624,043 gives the same sequence; the c. name uses the placement nearest the transcript's 3' end. VCF-style (leftmost placement, unchanged base first): chr16-23624039-G-GCTA. GRCh37 (hg19) VCF-style: chr16-23635360-G-GCTA.
Other names: c.2801_2803dupTAG (NM_024675.3).
Identifiers: ClinVar variation 241551 (VCV000241551.10), dbSNP rs878855112, ClinGen allele CA10583356.

ClinVar aggregate classification (germline): Uncertain significance (1 of 4 stars; one submission).

Conditions:
Familial cancer of breast. Also called: Hereditary breast cancer; BREAST CANCER, FAMILIAL; hereditary breast carcinoma. Identifiers: Orphanet 227535, MedGen C0346153, MONDO:0016419, OMIM 114480. Disease mechanism: loss of function.

Submission:

Labcorp Genetics (formerly Invitae), Labcorp
Classification: Uncertain significance for Familial cancer of breast. Last evaluated: 2025-03-18. Review status: criteria provided, single submitter. Criteria: Invitae Variant Classification Sherloc (09022015). Collection method: clinical testing. Allele origin: germline.
Comment: This variant, c.2801_2803dup, results in the insertion of 1 amino acid(s) of the PALB2 protein (p.Val934dup), but otherwise preserves the integrity of the reading frame. This variant is not present in population databases (gnomAD no frequency). This variant has been observed in individual(s) with colorectal cancer (PMID: 33309985). ClinVar contains an entry for this variant (Variation ID: 241551). Experimental studies and prediction algorithms are not available or were not evaluated, and the functional significance of this variant is currently unknown. In summary, the available evidence is currently insufficient to determine the role of this variant in disease. Therefore, it has been classified as a Variant of Uncertain Significance.

Literature cited by the submitters: PubMed 33309985.